The following is an entry in ClinVar:

ClinVar aggregate classification (germline): Uncertain significance (1 of 4 stars; one submission).

Conditions:
Amyotrophic lateral sclerosis type 1 (ALS1). Also called: AMYOTROPHIC LATERAL SCLEROSIS 1, FAMILIAL. Identifiers: Orphanet 803, MedGen C1862939, MONDO:0007103, OMIM 105400.
Neuronopathy, distal hereditary motor, type 7B. Also called: Distal Hereditary Motor Neuronopathy Type 7B (dHMN7B); HMN VIIB; LOWER MOTOR NEURON DISEASE, DYNACTIN TYPE; NEURONOPATHY, DISTAL HEREDITARY MOTOR, AUTOSOMAL DOMINANT 14; NEURONOPATHY, DISTAL HEREDITARY MOTOR, HARDING TYPE VIIB; NEUROPATHY, DISTAL HEREDITARY MOTOR, HARDING TYPE VIIB. Identifiers: Orphanet 139589, MedGen C1843315, MONDO:0011879, OMIM 607641.
Perry syndrome. Also called: PARKINSONISM WITH ALVEOLAR HYPOVENTILATION AND MENTAL DEPRESSION. Identifiers: Orphanet 178509, MedGen C1868594, MONDO:0008201, OMIM 168605.

Submission:

Labcorp Genetics (formerly Invitae), Labcorp
Classification: Uncertain significance for Amyotrophic lateral sclerosis type 1; Neuronopathy, distal hereditary motor, type 7B; Perry syndrome. Last evaluated: 2022-06-12. Review status: criteria provided, single submitter. Criteria: Invitae Variant Classification Sherloc (09022015). Collection method: clinical testing. Allele origin: germline.
Comment: This missense change has been observed in individual(s) with progressive supranuclear palsy (PMID: 27132499). In summary, the available evidence is currently insufficient to determine the role of this variant in disease. Therefore, it has been classified as a Variant of Uncertain Significance. Algorithms developed to predict the effect of missense changes on protein structure and function (SIFT, PolyPhen-2, Align-GVGD) all suggest that this variant is likely to be disruptive. This variant is not present in population databases (gnomAD no frequency). This sequence change replaces glutamic acid, which is acidic and polar, with lysine, which is basic and polar, at codon 859 of the DCTN1 protein (p.Glu859Lys).

Literature cited by the submitters: PubMed 27132499.

NM_004082.5(DCTN1):c.2575G>A (p.Glu859Lys)

Gene: DCTN1 (dynactin subunit 1; minus strand). Cytogenetic location: 2p13.1.
Variant type: single nucleotide variant.
Coding change: c.2575G>A on transcript NM_004082.5 (MANE Select); coding-DNA position 2575, G replaced by A.
Protein change: p.Glu859Lys; replaces glutamic acid 859 with lysine.
Molecular consequence: missense variant. On other transcripts: non-coding transcript variant (1).
Genome position (GRCh38, 1-based): chr2:74,366,512, C>T on the plus strand (G>A on the coding strand, the complement: DCTN1 is on the minus strand). VCF-style: chr2-74366512-C-T. GRCh37 (hg19) VCF-style: chr2-74593639-C-T.
Other names: c.2515G>A, p.Glu839Lys (NM_001135040.3); c.2173G>A, p.Glu725Lys (NM_001135041.3, NM_023019.4); c.2464G>A, p.Glu822Lys (NM_001190836.2); c.2554G>A, p.Glu852Lys (NM_001190837.2); c.2524G>A, p.Glu842Lys (NM_001378991.1); c.2506G>A, p.Glu836Lys (NM_001378992.1); short protein forms E839K, E852K, E822K, E836K, E842K, E859K, E725K.
Identifiers: ClinVar variation 2147680 (VCV002147680.4), dbSNP rs2529114343, ClinGen allele CA347346210.